The following is an entry in ClinVar:

ClinVar aggregate classification (germline): Uncertain significance (1 of 4 stars; one submission).

Conditions:
Neuronopathy, distal hereditary motor, type 7B. Also called: NEURONOPATHY, DISTAL HEREDITARY MOTOR, AUTOSOMAL DOMINANT 14; NEURONOPATHY, DISTAL HEREDITARY MOTOR, HARDING TYPE VIIB; NEUROPATHY, DISTAL HEREDITARY MOTOR, HARDING TYPE VIIB; Distal Hereditary Motor Neuronopathy Type 7B (dHMN7B); NEUROPATHY, DISTAL HEREDITARY MOTOR, WITH VOCAL CORD PARALYSIS, HARDING TYPE VIIB; HMN VIIB. Identifiers: Orphanet 139589, MedGen C1843315, MONDO:0011879, OMIM 607641.
Amyotrophic lateral sclerosis type 1 (ALS1). Also called: AMYOTROPHIC LATERAL SCLEROSIS 1, FAMILIAL. Identifiers: Orphanet 803, MedGen C1862939, MONDO:0007103, OMIM 105400.
Perry syndrome. Also called: PARKINSONISM WITH ALVEOLAR HYPOVENTILATION AND MENTAL DEPRESSION. Identifiers: Orphanet 178509, MedGen C1868594, MONDO:0008201, OMIM 168605.

gnomAD v4.1: 9 of 1,614,118 alleles (0.00056%); highest among the groups gnomAD compares: Non-Finnish European, 0.00076%; no homozygotes.

Submission:

Labcorp Genetics (formerly Invitae), Labcorp
Classification: Uncertain significance for Amyotrophic lateral sclerosis type 1; Neuronopathy, distal hereditary motor, type 7B; Perry syndrome. Last evaluated: 2025-07-20. Review status: criteria provided, single submitter. Criteria: Invitae Variant Classification Sherloc (09022015). Collection method: clinical testing. Allele origin: germline.
Comment: This sequence change replaces arginine, which is basic and polar, with cysteine, which is neutral and slightly polar, at codon 697 of the DCTN1 protein (p.Arg697Cys). This variant is not present in population databases (gnomAD no frequency). This variant has not been reported in the literature in individuals affected with DCTN1-related conditions. ClinVar contains an entry for this variant (Variation ID: 1002106). Invitae Evidence Modeling of protein sequence and biophysical properties (such as structural, functional, and spatial information, amino acid conservation, physicochemical variation, residue mobility, and thermodynamic stability) has been performed for this missense variant. However, the output from this modeling did not meet the statistical confidence thresholds required to predict the impact of this variant on DCTN1 protein function. In summary, the available evidence is currently insufficient to determine the role of this variant in disease. Therefore, it has been classified as a Variant of Uncertain Significance.

NM_004082.5(DCTN1):c.2089C>T (p.Arg697Cys)

Gene: DCTN1 (dynactin subunit 1; minus strand). Cytogenetic location: 2p13.1.
Variant type: single nucleotide variant.
Coding change: c.2089C>T on transcript NM_004082.5 (MANE Select); coding-DNA position 2089, C replaced by T.
Protein change: p.Arg697Cys; replaces arginine 697 with cysteine.
Molecular consequence: missense variant. On other transcripts: non-coding transcript variant (1).
Genome position (GRCh38, 1-based): chr2:74,367,791, G>A on the plus strand (C>T on the coding strand, the complement: DCTN1 is on the minus strand). VCF-style: chr2-74367791-G-A. GRCh37 (hg19) VCF-style: chr2-74594918-G-A.
Other names: c.2029C>T, p.Arg677Cys (NM_001135040.3); c.1687C>T, p.Arg563Cys (NM_001135041.3, NM_023019.4); c.1978C>T, p.Arg660Cys (NM_001190836.2); c.2068C>T, p.Arg690Cys (NM_001190837.2); c.2038C>T, p.Arg680Cys (NM_001378991.1); c.2020C>T, p.Arg674Cys (NM_001378992.1); short protein forms R660C, R674C, R677C, R680C, R690C, R697C, R563C.
Identifiers: ClinVar variation 1002106 (VCV001002106.9), dbSNP rs1674533703, ClinGen allele CA347351160.